The following is an entry in ClinVar:

NM_020975.6(RET):c.3065C>A (p.Thr1022Asn)

Gene: RET (ret proto-oncogene; plus strand). Cytogenetic location: 10q11.21.
Variant type: single nucleotide variant.
Coding change: c.3065C>A on transcript NM_020975.6 (MANE Select); coding-DNA position 3065, C replaced by A.
Protein change: p.Thr1022Asn; replaces threonine 1022 with asparagine.
Molecular consequence: missense variant.
Genome position (GRCh38, 1-based): chr10:43,126,600, C>A. VCF-style: chr10-43126600-C-A. GRCh37 (hg19) VCF-style: chr10-43622048-C-A.
Other names: c.2777C>A, p.Thr926Asn (NM_001406767.1, NM_001406770.1, NM_001406766.1); c.2801C>A, p.Thr934Asn (NM_001406768.1); c.2669C>A, p.Thr890Asn (NM_001406769.1, NM_001406772.1); c.2627C>A, p.Thr876Asn (NM_001406771.1, NM_001406773.1); c.2540C>A, p.Thr847Asn (NM_001406774.1); c.2339C>A, p.Thr780Asn (NM_001406775.1, NM_001406776.1, NM_001406777.1 and 1 more transcripts); c.2039C>A, p.Thr680Asn (NM_001406786.1, NM_001406783.1); c.2033C>A, p.Thr678Asn (NM_001406787.1); and 10 more; short protein forms T587N, T847N, T876N, T934N, T692N, T768N, T979N, T539N.
Identifiers: ClinVar variation 3722829 (VCV003722829.2).
Genomic context (GRCh38, chr10:43,126,600, plus strand): 5'-ATGGCTTGGAGTGACCGGCCATCTCTGTCTTCCAGGACTACTTGGACCTTGCGGCGTCCA[C>A]TCCATCTGACTCCCTGATTTATGACGACGGCCTCTCAGAGGAGGAGACACCGCTGGTGGA-3'
Protein context (NP_066124.1, residues 1012-1032): RRDYLDLAAS[Thr1022Asn]PSDSLIYDDG

ClinVar aggregate classification (germline): Uncertain significance (1 of 4 stars; one submission).

Conditions:
Multiple endocrine neoplasia, type 2 (MEN2). Identifiers: Orphanet 653, MedGen C4048306, MONDO:0019003. Disease mechanism: gain of function.

Submission:

Labcorp Genetics (formerly Invitae), Labcorp
Classification: Uncertain significance for Multiple endocrine neoplasia, type 2. Last evaluated: 2024-10-13. Review status: criteria provided, single submitter. Criteria: Invitae Variant Classification Sherloc (09022015). Collection method: clinical testing. Allele origin: germline.
Comment: This sequence change replaces threonine, which is neutral and polar, with asparagine, which is neutral and polar, at codon 1022 of the RET protein (p.Thr1022Asn). This variant is not present in population databases (gnomAD no frequency). This variant has not been reported in the literature in individuals affected with RET-related conditions. An algorithm developed to predict the effect of missense changes on protein structure and function (PolyPhen-2) suggests that this variant is likely to be disruptive. In summary, the available evidence is currently insufficient to determine the role of this variant in disease. Therefore, it has been classified as a Variant of Uncertain Significance.